The following is an entry in ClinVar:

NM_053025.4(MYLK):c.2084G>A (p.Cys695Tyr)

Gene: MYLK (myosin light chain kinase; minus strand). Cytogenetic location: 3q21.1.
Variant type: single nucleotide variant.
Coding change: c.2084G>A on transcript NM_053025.4 (MANE Select); coding-DNA position 2084, G replaced by A.
Protein change: p.Cys695Tyr; replaces cysteine 695 with tyrosine.
Molecular consequence: missense variant.
Genome position (GRCh38, 1-based): chr3:123,708,754, C>T on the plus strand (G>A on the coding strand, the complement: MYLK is on the minus strand). VCF-style: chr3-123708754-C-T. GRCh37 (hg19) VCF-style: chr3-123427601-C-T.
Other names: c.1556G>A, p.Cys519Tyr (NM_001321309.2); c.1877G>A, p.Cys626Tyr (NM_053026.4, NM_053028.4); c.2084G>A, p.Cys695Tyr (NM_053027.4); short protein forms C695Y, C519Y, C626Y.
Identifiers: ClinVar variation 4744865 (VCV004744865.1).

ClinVar aggregate classification (germline): Uncertain significance (1 of 4 stars; one submission).

Conditions:
Aortic aneurysm, familial thoracic 7 (AAT7). Also called: AORTIC DISSECTION, FAMILIAL, WITH OR WITHOUT AORTIC ANEURYSM. Identifiers: MedGen C3151077, MONDO:0013418, OMIM 613780.

Submission:

Labcorp Genetics (formerly Invitae), Labcorp
Classification: Uncertain significance for Aortic aneurysm, familial thoracic 7. Last evaluated: 2025-12-16. Review status: criteria provided, single submitter. Criteria: Invitae Variant Classification Sherloc (09022015). Collection method: clinical testing. Allele origin: germline.
Comment: This sequence change replaces cysteine, which is neutral and slightly polar, with tyrosine, which is neutral and polar, at codon 695 of the MYLK protein (p.Cys695Tyr). This variant is not present in population databases (gnomAD no frequency). This variant has not been reported in the literature in individuals affected with MYLK-related conditions. Invitae Evidence Modeling of protein sequence and biophysical properties (such as structural, functional, and spatial information, amino acid conservation, physicochemical variation, residue mobility, and thermodynamic stability) indicates that this missense variant is not expected to disrupt MYLK protein function with a negative predictive value of 80%. In summary, the available evidence is currently insufficient to determine the role of this variant in disease. Therefore, it has been classified as a Variant of Uncertain Significance.